The following is an entry in ClinVar:

NM_001369.3(DNAH5):c.4113del (p.Gln1372fs)

Genes: DNAH5 (dynein axonemal heavy chain 5; minus strand), DNAH5-AS1 (DNAH5 antisense RNA 1; plus strand). Cytogenetic location: 5p15.2.
Variant type: Deletion.
Coding change: c.4113del on transcript NM_001369.3 (MANE Select); coding-DNA position 4113, one base deleted (T; older notation c.4113delT).
Protein change: p.Gln1372fs; shifts the reading frame from glutamine 1372.
Molecular consequence: frameshift variant.
Genome position (GRCh38, 1-based): chr5:13,866,223, A deleted on the plus strand (T on the coding strand, the reverse complement: DNAH5 is on the minus strand); the first of 3 consecutive A bases (chr5:13,866,223-13,866,225); deleting any one gives the same sequence. VCF-style (leftmost placement, unchanged base first): chr5-13866222-GA-G. GRCh37 (hg19) VCF-style: chr5-13866331-GA-G.
Other names: c.4113delT (NM_001369.2); short protein forms Q1372fs.
Identifiers: ClinVar variation 869373 (VCV000869373.3), dbSNP rs1769225531, ClinGen allele CA916082689.

ClinVar aggregate classification (germline): Pathogenic. Review status: criteria provided, multiple submitters, no conflicts (2 of 4 stars). 2 submissions from 2 submitters: Pathogenic (2). Last evaluated 2025-04-02.

Conditions:
Primary ciliary dyskinesia 3. Identifiers: Orphanet 244, MedGen C1837618, MONDO:0012085, OMIM 608644.

Submissions (2):

Myriad Genetics, Inc.
Classification: Pathogenic for Primary ciliary dyskinesia 3. Last evaluated: 2025-04-02. Review status: criteria provided, single submitter. Criteria: Myriad Autosomal Dominant, Autosomal Recessive and X-Linked Classification Criteria (2023). Collection method: clinical testing. Allele origin: unknown.
Comment: NM_001369.2(DNAH5):c.4113delT(Q1372Rfs*34) is expected to be pathogenic in the context of primary ciliary dyskinesia, DNAH5-related. This variant is predicted to lead to an abnormal or absent protein product due to the creation of a premature termination codon in DNAH5, a gene where loss-of-function variants are known to be pathogenic. Please note: this variant was assessed in the context of healthy population screening.

Biology Pathology Center, Lille University Hospital
Classification: Pathogenic for Primary ciliary dyskinesia 3. Review status: criteria provided, single submitter. Criteria: ACMG Guidelines, 2015. Collection method: clinical testing. Allele origin: germline. Inheritance: Autosomal recessive inheritance. Affected: yes. Observed: 1 variant allele.